The following is an entry in ClinVar:

NM_002471.4(MYH6):c.1913G>C (p.Gly638Ala)

Gene: MYH6 (myosin heavy chain 6; minus strand). Cytogenetic location: 14q11.2.
Variant type: single nucleotide variant.
Coding change: c.1913G>C on transcript NM_002471.4 (MANE Select); coding-DNA position 1913, G replaced by C.
Protein change: p.Gly638Ala; replaces glycine 638 with alanine.
Molecular consequence: missense variant.
Genome position (GRCh38, 1-based): chr14:23,397,592, C>G on the plus strand (G>C on the coding strand, the complement: MYH6 is on the minus strand). VCF-style: chr14-23397592-C-G. GRCh37 (hg19) VCF-style: chr14-23866801-C-G.
Other names: short protein forms G638A.
Identifiers: ClinVar variation 407159 (VCV000407159.8), dbSNP rs1060501430, ClinGen allele CA16614476.

ClinVar aggregate classification (germline): Uncertain significance (1 of 4 stars; one submission).

Conditions:
Hypertrophic cardiomyopathy 14. Identifiers: MedGen C2750467, MONDO:0013197, OMIM 613251.

Submission:

Labcorp Genetics (formerly Invitae), Labcorp
Classification: Uncertain significance for Hypertrophic cardiomyopathy 14. Last evaluated: 2024-11-18. Review status: criteria provided, single submitter. Criteria: Invitae Variant Classification Sherloc (09022015). Collection method: clinical testing. Allele origin: germline.
Comment: This sequence change replaces glycine, which is neutral and non-polar, with alanine, which is neutral and non-polar, at codon 638 of the MYH6 protein (p.Gly638Ala). This variant is not present in population databases (gnomAD no frequency). This variant has not been reported in the literature in individuals affected with MYH6-related conditions. ClinVar contains an entry for this variant (Variation ID: 407159). An algorithm developed to predict the effect of missense changes on protein structure and function (PolyPhen-2) suggests that this variant is likely to be tolerated. In summary, the available evidence is currently insufficient to determine the role of this variant in disease. Therefore, it has been classified as a Variant of Uncertain Significance.